The following is an entry in ClinVar:

NM_021012.5(KCNJ12):c.576G>C (p.Gln192His)

Gene: KCNJ12 (potassium inwardly rectifying channel subfamily J member 12; plus strand). Cytogenetic location: 17p11.2.
Variant type: single nucleotide variant.
Coding change: c.576G>C on transcript NM_021012.5 (MANE Select); coding-DNA position 576, G replaced by C.
Protein change: p.Gln192His; replaces glutamine 192 with histidine.
Molecular consequence: missense variant.
Genome position (GRCh38, 1-based): chr17:21,415,918, G>C. VCF-style: chr17-21415918-G-C. GRCh37 (hg19) VCF-style: chr17-21319230-G-C.
Other names: short protein forms Q192H.
Identifiers: ClinVar variation 3060052 (VCV003060052.2), dbSNP rs1657742, ClinGen allele CA8451181.

ClinVar aggregate classification (germline): Benign (0 of 4 stars; one submission).

Conditions:
KCNJ12-related disorder. Also called: KCNJ12-related condition.

Allele frequency attached by ClinVar (database versions not stated): gnomAD 0.00002; 1000 Genomes Project 30x 0.00062; ExAC 0.49749.

Submission:

PreventionGenetics, part of Exact Sciences
Classification: Benign for KCNJ12-related condition. Last evaluated: 2019-10-17. Review status: no assertion criteria provided. Collection method: clinical testing. Allele origin: germline.
Comment: This variant is classified as benign based on ACMG/AMP sequence variant interpretation guidelines (Richards et al. 2015 PMID: 25741868, with internal and published modifications).